The following is an entry in ClinVar:

NM_020778.5(ALPK3):c.2939del (p.Gly980fs)

Gene: ALPK3 (alpha kinase 3; plus strand). Cytogenetic location: 15q25.3.
Variant type: Deletion.
Coding change: c.2939del on transcript NM_020778.5 (MANE Select); coding-DNA position 2939, one base deleted (G; older notation c.2939delG).
Protein change: p.Gly980fs; shifts the reading frame from glycine 980.
Molecular consequence: frameshift variant.
Genome position (GRCh38, 1-based): chr15:84,857,677, G deleted; the last of 5 consecutive G bases (chr15:84,857,673-84,857,677); deleting any one gives the same sequence. VCF-style (leftmost placement, unchanged base first): chr15-84857672-AG-A. GRCh37 (hg19) VCF-style: chr15-85400903-AG-A.
Other names: short protein forms G980fs.
Identifiers: ClinVar variation 4293678 (VCV004293678.1).

ClinVar aggregate classification (germline): Likely pathogenic (1 of 4 stars; one submission).

Conditions:
Cardiomyopathy, familial hypertrophic 27. Identifiers: MedGen C4748014, MONDO:0054838, OMIM 618052.

Submission:

3billion
Classification: Likely pathogenic for Cardiomyopathy, familial hypertrophic 27. Last evaluated: 2024-09-13. Review status: criteria provided, single submitter. Criteria: ACMG Guidelines, 2015. Collection method: clinical testing. Allele origin: germline. Affected: yes.
Comment: The variant is observed at an extremely low frequency in the gnomAD v4.0.0 dataset (total allele frequency: <0.001%). Predicted Consequence/Location: Frameshift: predicted to result in a loss or disruption of normal protein function through nonsense-mediated decay (NMD) or protein truncation. Multiple pathogenic variants are reported downstream of the variant. Therefore, this variant is classified as Likely pathogenic according to the recommendation of ACMG/AMP guideline.